The following is an entry in ClinVar:

ClinVar aggregate classification (germline): Uncertain significance (1 of 4 stars; one submission).

Submission:

GeneDx
Classification: Uncertain significance. Last evaluated: 2024-11-18. Review status: criteria provided, single submitter. Criteria: GeneDx Variant Classification Process June 2021. Collection method: clinical testing. Allele origin: germline. Affected: yes.
Comment: Not observed at significant frequency in large population cohorts (gnomAD); In silico analysis indicates that this missense variant does not alter protein structure/function; Has not been previously published as pathogenic or benign to our knowledge

NM_001395656.1(ROBO2):c.3625T>A (p.Ser1209Thr)

Gene: ROBO2 (roundabout guidance receptor 2; plus strand). Cytogenetic location: 3p12.3.
Variant type: single nucleotide variant.
Coding change: c.3625T>A on transcript NM_001395656.1 (MANE Select); coding-DNA position 3625, T replaced by A.
Protein change: p.Ser1209Thr; replaces serine 1209 with threonine.
Molecular consequence: missense variant.
Genome position (GRCh38, 1-based): chr3:77,622,285, T>A. VCF-style: chr3-77622285-T-A. GRCh37 (hg19) VCF-style: chr3-77671436-T-A.
Other names: c.3661T>A, p.Ser1221Thr (NM_001128929.3); c.3625T>A, p.Ser1209Thr (NM_001290039.2, NM_001290040.2); c.1834T>A, p.Ser612Thr (NM_001290065.2); c.3673T>A, p.Ser1225Thr (NM_001378190.1, NM_001378200.1, NM_001378201.1 and 1 more transcripts); c.3799T>A, p.Ser1267Thr (NM_001378191.1, NM_001378195.1, NM_001378196.1); c.3694T>A, p.Ser1232Thr (NM_001378192.1, NM_001378198.1, NM_001378199.1); c.3613T>A, p.Ser1205Thr (NM_001378193.1, NM_002942.5); c.3811T>A, p.Ser1271Thr (NM_001378194.1); and 5 more; short protein forms S1205T, S1206T, S1209T, S1221T, S1225T, S1228T, S1232T, S1247T.
Identifiers: ClinVar variation 3899753 (VCV003899753.1).